The following is an entry in ClinVar:

ClinVar aggregate classification (germline): Benign (0 of 4 stars; one submission).

Conditions:
ACAA1-related disorder. Also called: ACAA1-related condition.

Allele frequency attached by ClinVar (database versions not stated): ExAC 0.00057; 1000 Genomes Project 30x 0.00156; 1000 Genomes Project 0.00180; gnomAD 0.00216; TOPMed 0.00266; ESP Exome Variant Server 0.00269.
gnomAD v4.1: 632 of 1,614,000 alleles (0.039%); highest among the groups gnomAD compares: African/African-American, 0.72%; 2 homozygotes.

Submission:

PreventionGenetics, part of Exact Sciences
Classification: Benign for ACAA1-related condition. Last evaluated: 2019-08-15. Review status: no assertion criteria provided. Collection method: clinical testing. Allele origin: germline.
Comment: This variant is classified as benign based on ACMG/AMP sequence variant interpretation guidelines (Richards et al. 2015 PMID: 25741868, with internal and published modifications).

NM_001607.4(ACAA1):c.462C>T (p.Ser154=)

Gene: ACAA1 (acetyl-CoA acyltransferase 1; minus strand). Cytogenetic location: 3p22.2.
Variant type: single nucleotide variant.
Coding change: c.462C>T on transcript NM_001607.4 (MANE Select); coding-DNA position 462, C replaced by T.
Protein change: p.Ser154=; no amino-acid change (serine 154 retained).
Molecular consequence: synonymous variant. On other transcripts: non-coding transcript variant (1), intron variant (1).
Genome position (GRCh38, 1-based): chr3:38,129,373, G>A on the plus strand (C>T on the coding strand, the complement: ACAA1 is on the minus strand). VCF-style: chr3-38129373-G-A. GRCh37 (hg19) VCF-style: chr3-38170864-G-A.
Other names: c.447-1507C>T (NM_001130410.2).
Identifiers: ClinVar variation 3052426 (VCV003052426.2), dbSNP rs139044259, ClinGen allele CA2315793.
Genomic context (GRCh38, chr3:38,129,373, plus strand): 5'-GGCCTTCTCCTTCTCCATCAAGCGCGAAGTAATATTTCCAGGGTTCCCTCTGTCAGCCAG[G>A]GACATGGACTCCACCCTGGGGAGGAGGAAGAGGAGGAGAAGGTAAGGTGAACTGGGCCCT-3'
Protein context (NP_001598.1, residues 144-164): IGMACGVESM[Ser154=]LADRGNPGNI